The following is an entry in ClinVar:

NM_000038.6(APC):c.3688C>T (p.Gln1230Ter)

Gene: APC (APC regulator of Wnt signaling pathway; plus strand). Cytogenetic location: 5q22.2.
Variant type: single nucleotide variant.
Coding change: c.3688C>T on transcript NM_000038.6 (MANE Select); coding-DNA position 3688, C replaced by T.
Protein change: p.Gln1230Ter; replaces glutamine 1230 with a stop codon.
Molecular consequence: nonsense.
Genome position (GRCh38, 1-based): chr5:112,839,282, C>T. VCF-style: chr5-112839282-C-T. GRCh37 (hg19) VCF-style: chr5-112174979-C-T.
Other names: c.3688C>T, p.Gln1230Ter (NM_001127510.3, NM_001354895.2); c.3634C>T, p.Gln1212Ter (NM_001127511.3); c.3742C>T, p.Gln1248Ter (NM_001354896.2); c.3718C>T, p.Gln1240Ter (NM_001354897.2); c.3613C>T, p.Gln1205Ter (NM_001354898.2); c.3604C>T, p.Gln1202Ter (NM_001354899.2); c.3565C>T, p.Gln1189Ter (NM_001354900.2); c.3511C>T, p.Gln1171Ter (NM_001354901.2); and 5 more; short protein forms Q1212*, Q1230*, Q1070*, Q1104*, Q1189*, Q1240*, Q1248*, Q1129*.
Identifiers: ClinVar variation 217969 (VCV000217969.16), dbSNP rs863225344, ClinGen allele CA279680.

ClinVar aggregate classification (germline): Pathogenic. Review status: criteria provided, multiple submitters, no conflicts (2 of 4 stars). 5 submissions from 5 submitters: Pathogenic (4). 1 of the submissions does not count toward it. Last evaluated 2023-05-09.

Conditions:
Hereditary cancer-predisposing syndrome. Also called: Hereditary Cancer Syndrome; Hereditary neoplastic syndrome; Neoplastic Syndromes, Hereditary; Tumor predisposition. Identifiers: Orphanet 140162, MedGen C0027672, MeSH D009386, MONDO:0015356.
Familial adenomatous polyposis 1 (FAP1). Also called: FAMILIAL ADENOMATOUS POLYPOSIS 1, ATTENUATED; POLYPOSIS, ADENOMATOUS INTESTINAL. Identifiers: MedGen C2713442, MONDO:0021056, OMIM 175100. Disease mechanism: loss of function.

Submissions (5):

Myriad Genetics, Inc.
Classification: Pathogenic for Familial adenomatous polyposis 1. Last evaluated: 2023-05-09. Review status: criteria provided, single submitter. Criteria: Myriad Autosomal Dominant, Autosomal Recessive and X-Linked Classification Criteria (2023). Collection method: clinical testing. Allele origin: unknown.
Comment: This variant is considered pathogenic. This variant creates a termination codon and is predicted to result in premature protein truncation.

Labcorp Genetics (formerly Invitae), Labcorp
Classification: Pathogenic for Familial adenomatous polyposis 1. Last evaluated: 2022-05-07. Review status: criteria provided, single submitter. Criteria: Invitae Variant Classification Sherloc (09022015). Collection method: clinical testing. Allele origin: germline.
Comment: This sequence change creates a premature translational stop signal (p.Gln1230*) in the APC gene. While this is not anticipated to result in nonsense mediated decay, it is expected to disrupt the last 1614 amino acid(s) of the APC protein. This variant is not present in population databases (gnomAD no frequency). This premature translational stop signal has been observed in individual(s) with familial adenomatous polyposis (PMID: 1316610, 20434453, 20685668). ClinVar contains an entry for this variant (Variation ID: 217969). This variant disrupts a region of the APC protein in which other variant(s) (p.Tyr2645Lysfs*14) have been determined to be pathogenic (PMID: 1316610, 8381579, 9824584, 22135120, 27081525; Invitae). This suggests that this is a clinically significant region of the protein, and that variants that disrupt it are likely to be disease-causing. For these reasons, this variant has been classified as Pathogenic.

Color Diagnostics, LLC DBA Color Health
Classification: Pathogenic for Hereditary cancer-predisposing syndrome. Last evaluated: 2022-03-04. Review status: criteria provided, single submitter. Criteria: ACMG Guidelines, 2015. Collection method: clinical testing. Allele origin: germline.
Comment: This variant changes 1 nucleotide in exon 16 of the APC gene, creating a premature translation stop signal in the last coding exon. This variant is expected to result in an absent or non-functional protein product. This variant is predicted to escape nonsense-mediated decay and be expressed as a truncated protein. Although functional studies have not been reported, this variant is expected to disrupt the beta-catenin, EB1 binding site, HDLG-binding site, and NLS domains (PMID: 17881494). To our knowledge, this variant has not been reported in individuals affected with hereditary cancer in the literature. This variant has not been identified in the general population by the Genome Aggregation Database (gnomAD). Loss of APC function is a known mechanism of disease. Based on the available evidence, this variant is classified as Pathogenic.

Ambry Genetics
Classification: Pathogenic for Hereditary cancer-predisposing syndrome. Last evaluated: 2021-11-29. Review status: criteria provided, single submitter. Criteria: Ambry Variant Classification Scheme 2023. Collection method: clinical testing. Allele origin: germline.
Comment: The p.Q1230* pathogenic mutation (also known as c.3688C>T), located in coding exon 15 of the APC gene, results from a C to T substitution at nucleotide position 3688. This changes the amino acid from a glutamine to a stop codon within coding exon 15. This variant has been identified in multiple FAP cohorts (Friedl W et al. Hered Cancer Clin Pract, 2005 Sep;3:95-114; Castellsagu&eacute; E et al. Gastroenterology, 2010 Aug;139:439-47, 447.e1). In addition to the clinical data presented in the literature, this alteration is expected to result in loss of function by premature protein truncation or nonsense-mediated mRNA decay. As such, this alteration is interpreted as a disease-causing mutation.

Mayo Clinic Laboratories, Mayo Clinic
Classification: Pathogenic. Review status: no assertion criteria provided. Collection method: research. Allele origin: unknown. Observed: 2 variant alleles. Not counted in ClinVar's aggregate classification.

Literature cited by the submitters: PubMed 1316610 (cited by Labcorp Genetics (formerly Invitae), Labcorp); PubMed 20434453 (cited by Labcorp Genetics (formerly Invitae), Labcorp and Ambry Genetics); PubMed 20685668 (cited by Labcorp Genetics (formerly Invitae), Labcorp); PubMed 8381579 (cited by Labcorp Genetics (formerly Invitae), Labcorp); PubMed 9824584 (cited by Labcorp Genetics (formerly Invitae), Labcorp); PubMed 22135120 (cited by Labcorp Genetics (formerly Invitae), Labcorp); PubMed 27081525 (cited by Labcorp Genetics (formerly Invitae), Labcorp); PubMed 17881494 (cited by Color Diagnostics, LLC DBA Color Health); PubMed 20223039 (cited by Ambry Genetics).